The following is an entry in ClinVar:

ClinVar aggregate classification (germline): Uncertain significance (1 of 4 stars; one submission).

Allele frequency attached by ClinVar (database versions not stated): gnomAD exomes 0.00001; ExAC 0.00002; gnomAD 0.00003; TOPMed 0.00003.
gnomAD v4.1: 24 of 1,611,632 alleles (0.0015%); highest among the groups gnomAD compares: South Asian, 0.0055%; no homozygotes.

Submission:

Labcorp Genetics (formerly Invitae), Labcorp
Classification: Uncertain significance. Last evaluated: 2025-01-18. Review status: criteria provided, single submitter. Criteria: Invitae Variant Classification Sherloc (09022015). Collection method: clinical testing. Allele origin: germline.
Comment: This sequence change replaces arginine, which is basic and polar, with glutamine, which is neutral and polar, at codon 1274 of the NLRP1 protein (p.Arg1274Gln). This variant is present in population databases (rs749187188, gnomAD 0.005%). This variant has not been reported in the literature in individuals affected with NLRP1-related conditions. ClinVar contains an entry for this variant (Variation ID: 2957471). An algorithm developed to predict the effect of missense changes on protein structure and function outputs the following: PolyPhen-2: "Benign". The glutamine amino acid residue is found in multiple mammalian species, which suggests that this missense change does not adversely affect protein function. Algorithms developed to predict the effect of sequence changes on RNA splicing suggest that this variant may disrupt the consensus splice site. In summary, the available evidence is currently insufficient to determine the role of this variant in disease. Therefore, it has been classified as a Variant of Uncertain Significance.

NM_033004.4(NLRP1):c.3821G>A (p.Arg1274Gln)

Gene: NLRP1 (NLR family pyrin domain containing 1; minus strand). Cytogenetic location: 17p13.2.
Variant type: single nucleotide variant.
Coding change: c.3821G>A on transcript NM_033004.4 (MANE Select); coding-DNA position 3821, G replaced by A.
Protein change: p.Arg1274Gln; replaces arginine 1274 with glutamine.
Molecular consequence: missense variant. On other transcripts: intron variant (2).
Genome position (GRCh38, 1-based): chr17:5,520,975, C>T on the plus strand (G>A on the coding strand, the complement: NLRP1 is on the minus strand). VCF-style: chr17-5520975-C-T. GRCh37 (hg19) VCF-style: chr17-5424295-C-T.
Other names: c.3833G>A, p.Arg1278Gln (NM_001033053.3); c.3731G>A, p.Arg1244Gln (NM_033006.4); c.3693+549G>A (NM_033007.4); c.3783+549G>A (NM_014922.5); short protein forms R1274Q, R1244Q, R1278Q.
Identifiers: ClinVar variation 2957471 (VCV002957471.3), dbSNP rs749187188, ClinGen allele CA8326726.